The following is an entry in ClinVar:

ClinVar aggregate classification (germline): Uncertain significance. Review status: criteria provided, multiple submitters, no conflicts (2 of 4 stars). 2 submissions from 2 submitters: Uncertain significance (2). Last evaluated 2025-05-27.

Conditions:
Hereditary cancer-predisposing syndrome. Also called: Neoplastic Syndromes, Hereditary; Hereditary Cancer Syndrome; Tumor predisposition; Hereditary neoplastic syndrome. Identifiers: Orphanet 140162, MedGen C0027672, MeSH D009386, MONDO:0015356.
Ataxia-telangiectasia syndrome (AT). Also called: LOUIS-BAR SYNDROME; Cerebello-oculocutaneous telangiectasia; Immunodeficiency with ataxia telangiectasia; Ataxia-telangiectasia, complementation group D; AT, COMPLEMENTATION GROUP C; Ataxia-telangiectasia, complementation group E. Identifiers: Orphanet 100, MedGen C0004135, MONDO:0008840, OMIM 208900.

Submissions (2):

Labcorp Genetics (formerly Invitae), Labcorp
Classification: Uncertain significance for Ataxia-telangiectasia syndrome. Last evaluated: 2025-05-27. Review status: criteria provided, single submitter. Criteria: Invitae Variant Classification Sherloc (09022015). Collection method: clinical testing. Allele origin: germline.
Comment: This sequence change replaces glutamic acid, which is acidic and polar, with aspartic acid, which is acidic and polar, at codon 2097 of the ATM protein (p.Glu2097Asp). This variant is not present in population databases (gnomAD no frequency). This variant has not been reported in the literature in individuals affected with ATM-related conditions. ClinVar contains an entry for this variant (Variation ID: 478943). Invitae Evidence Modeling of protein sequence and biophysical properties (such as structural, functional, and spatial information, amino acid conservation, physicochemical variation, residue mobility, and thermodynamic stability) indicates that this missense variant is not expected to disrupt ATM protein function with a negative predictive value of 95%. In summary, the available evidence is currently insufficient to determine the role of this variant in disease. Therefore, it has been classified as a Variant of Uncertain Significance.

Ambry Genetics
Classification: Uncertain significance for Hereditary cancer-predisposing syndrome. Last evaluated: 2016-01-06. Review status: criteria provided, single submitter. Criteria: Ambry Variant Classification Scheme 2023. Collection method: clinical testing. Allele origin: germline.
Comment: The p.E2097D variant (also known as c.6291A>T), located in coding exon 42 of the ATM gene, results from an A to T substitution at nucleotide position 6291. The glutamic acid at codon 2097 is replaced by aspartic acid, an amino acid with highly similar properties. This variant was not reported in population based cohorts in the following databases: Database of Single Nucleotide Polymorphisms (dbSNP), NHLBI Exome Sequencing Project (ESP), and 1000 Genomes Project. In the ESP, this variant was not observed in 6499 samples (12998 alleles) with coverage at this position. To date, this alteration has been detected with an allele frequency of approximately 0.001% (greater than 125000 alleles tested) in our clinical cohort. This amino acid position is highly conserved in available vertebrate species. In addition, the in silico prediction for this alteration is inconclusive. Since supporting evidence is limited at this time, the clinical significance of p.E2097D remains unclear.

NM_000051.4(ATM):c.6291A>T (p.Glu2097Asp)

Genes: ATM (ATM serine/threonine kinase; plus strand), C11orf65 (chromosome 11 open reading frame 65; minus strand). Cytogenetic location: 11q22.3.
Variant type: single nucleotide variant.
Coding change: c.6291A>T on transcript NM_000051.4 (MANE Select); coding-DNA position 6291, A replaced by T.
Protein change: p.Glu2097Asp; replaces glutamic acid 2097 with aspartic acid.
Molecular consequence: missense variant. On other transcripts: intron variant (2).
Genome position (GRCh38, 1-based): chr11:108,317,465, A>T. VCF-style: chr11-108317465-A-T. GRCh37 (hg19) VCF-style: chr11-108188192-A-T.
Other names: c.6291A>T, p.Glu2097Asp (NM_001351834.2); c.641-8394T>A (NM_001330368.2); c.*39-8394T>A (NM_001351110.2); short protein forms E2097D.
Identifiers: ClinVar variation 478943 (VCV000478943.7), dbSNP rs1555114739, ClinGen allele CA382552057.
Genomic context (GRCh38, chr11:108,317,465, plus strand): 5'-TTCCGTCTATTTAAAAGGATTGGATTATGAAAATAAAGACTGGTGTCCTGAACTAGAAGA[A>T]CTTCATTACCAAGCAGCATGGAGGAATATGCAGTGGGACCATTGCACTTCCGTCAGGTAA-3'
Protein context (NP_000042.3, residues 2087-2107): ENKDWCPELE[Glu2097Asp]LHYQAAWRNM